The following is an entry in ClinVar:

ClinVar aggregate classification (germline): Uncertain significance (1 of 4 stars; one submission).

Conditions:
Cardiovascular phenotype. Identifiers: MedGen CN230736.

Submission:

Ambry Genetics
Classification: Uncertain significance for Cardiovascular phenotype. Last evaluated: 2024-05-17. Review status: criteria provided, single submitter. Criteria: Ambry Variant Classification Scheme 2023. Collection method: clinical testing. Allele origin: germline.
Comment: The c.38_39delCTinsTC variant, located in coding exon 1 of the TBX20 gene, results from an in-frame deletion of CT and insertion of TC at nucleotide positions 38 to 39. This results in the substitution of the serine residue for a phenylalanine residue at codon 13, an amino acid with highly dissimilar properties. This amino acid position is highly conserved in available vertebrate species. In addition, the in silico prediction for this alteration is inconclusive. Based on the available evidence, the clinical significance of this variant remains unclear.

NM_001077653.2(TBX20):c.38_39delinsTC (p.Ser13Phe)

Gene: TBX20 (T-box transcription factor 20; minus strand). Cytogenetic location: 7p14.2.
Variant type: Indel.
Coding change: c.38_39delinsTC on transcript NM_001077653.2 (MANE Select); coding-DNA positions 38 to 39, CT replaced by TC.
Protein change: p.Ser13Phe; replaces serine 13 with phenylalanine.
Molecular consequence: missense variant.
Genome position (GRCh38, 1-based): chr7:35,253,582-35,253,583, AG replaced by GA on the plus strand (CT replaced by TC on the coding strand, the reverse complement: TBX20 is on the minus strand). VCF-style: chr7-35253582-AG-GA. GRCh37 (hg19) VCF-style: chr7-35293193-AG-GA.
Other names: c.38_39delinsTC, p.Ser13Phe (NM_001166220.1); c.38_39delCTinsTC (NM_001077653.2); short protein forms S13F.
Identifiers: ClinVar variation 3324863 (VCV003324863.1).